The following is an entry in ClinVar:

ClinVar aggregate classification (germline): Uncertain significance (1 of 4 stars; one submission).

gnomAD v4.1: 4 of 1,613,018 alleles (0.00025%); highest among the groups gnomAD compares: South Asian, 0.0011%; no homozygotes.

Submission:

GeneDx
Classification: Uncertain significance. Last evaluated: 2026-03-14. Review status: criteria provided, single submitter. Criteria: GeneDx Variant Classification Process June 2021. Collection method: clinical testing. Allele origin: germline.
Comment: In silico analysis supports that this missense variant has a deleterious effect on protein structure/function; Has not been previously published as pathogenic or benign to our knowledge

NM_001394998.1(TANC2):c.4181C>T (p.Ala1394Val)

Gene: TANC2 (tetratricopeptide repeat, ankyrin repeat and coiled-coil containing 2; plus strand). Cytogenetic location: 17q23.3.
Variant type: single nucleotide variant.
Coding change: c.4181C>T on transcript NM_001394998.1 (MANE Select); coding-DNA position 4181, C replaced by T.
Protein change: p.Ala1394Val; replaces alanine 1394 with valine.
Molecular consequence: missense variant.
Genome position (GRCh38, 1-based): chr17:63,418,320, C>T. VCF-style: chr17-63418320-C-T. GRCh37 (hg19) VCF-style: chr17-61495681-C-T.
Other names: c.3959C>T, p.Ala1320Val (NM_001411076.1); c.3929C>T, p.Ala1310Val (NM_025185.4); short protein forms A1394V, A1310V, A1320V.
Identifiers: ClinVar variation 5009960 (VCV005009960.1).